The following is an entry in ClinVar:

ClinVar aggregate classification (germline): Uncertain significance. Review status: criteria provided, single submitter (1 of 4 stars). 2 submissions from 2 submitters: Uncertain significance (1). 1 of the submissions does not count toward it. Last evaluated 2023-08-07.

Conditions:
Tetralogy of Fallot (TOF). Identifiers: Orphanet 3303, MedGen C0039685, MONDO:0008542, OMIM 187500, HP:0001636.

Allele frequency attached by ClinVar (database versions not stated): gnomAD exomes below 0.00001.
gnomAD v4.1: 2 of 1,545,386 alleles (0.00013%); highest among the groups gnomAD compares: Non-Finnish European, 0.00017%; no homozygotes.

Submissions (2):

GeneDx
Classification: Uncertain significance. Last evaluated: 2023-08-07. Review status: criteria provided, single submitter. Criteria: GeneDx Variant Classification Process June 2021. Collection method: clinical testing. Allele origin: germline. Affected: yes.
Comment: Not observed at significant frequency in large population cohorts (gnomAD); In silico analysis supports that this missense variant has a deleterious effect on protein structure/function; Observed in at least one individual from a family with history of severe pulmonary stenosis, tetralogy of Fallot, and ventricular septal defects; however, additional details were not provided (Preuss et al., 2016); This variant is associated with the following publications: (PMID: 27760138)

Andelfinger Lab, Centre de Recherche, CHU Sainte Justine
Classification: Likely pathogenic for Tetralogy of Fallot. Last evaluated: 2015-01-01. Review status: no assertion criteria provided. Collection method: research. Allele origin: germline. Affected: yes. Not counted in ClinVar's aggregate classification.

Literature cited by the submitters: PubMed 27760138 (cited by Andelfinger Lab, Centre de Recherche, CHU Sainte Justine); PubMed 19597493 (cited by Andelfinger Lab, Centre de Recherche, CHU Sainte Justine).

NM_004444.5(EPHB4):c.980C>T (p.Pro327Leu)

Gene: EPHB4 (EPH receptor B4; minus strand). Cytogenetic location: 7q22.1.
Variant type: single nucleotide variant.
Coding change: c.980C>T on transcript NM_004444.5 (MANE Select); coding-DNA position 980, C replaced by T.
Protein change: p.Pro327Leu; replaces proline 327 with leucine.
Molecular consequence: missense variant.
Genome position (GRCh38, 1-based): chr7:100,819,874, G>A on the plus strand (C>T on the coding strand, the complement: EPHB4 is on the minus strand). VCF-style: chr7-100819874-G-A. GRCh37 (hg19) VCF-style: chr7-100417496-G-A.
Other names: short protein forms P327L.
Identifiers: ClinVar variation 222000 (VCV000222000.3), dbSNP rs1057515420, ClinGen allele CA10602395.